The following is an entry in ClinVar:

ClinVar aggregate classification (germline): Benign (3 of 4 stars; one submission).

Conditions:
Breast-ovarian cancer, familial, susceptibility to, 1 (BROVCA1). Also called: BRCA1 Hereditary Breast and Ovarian Cancer; OVARIAN CANCER, SUSCEPTIBILITY TO. Identifiers: Orphanet 145, MedGen C2676676, MONDO:0011450, OMIM 604370. Disease mechanism: loss of function.

Allele frequency attached by ClinVar (database versions not stated): TOPMed 0.02756; gnomAD 0.02785 and 0.02989; 1000 Genomes Project 0.03235; 1000 Genomes Project 30x 0.03357.
gnomAD v4.1: 4,557 of 152,214 alleles (3%); highest among the groups gnomAD compares: South Asian, 9%; 95 homozygotes.

Submission:

Evidence-based Network for the Interpretation of Germline Mutant Alleles (ENIGMA)
Classification: Benign for Breast-ovarian cancer, familial 1. Last evaluated: 2015-01-12. Review status: reviewed by expert panel. Criteria: ENIGMA BRCA1/2 Classification Criteria (2015). Collection method: curation. Allele origin: germline.
Comment: Class 1 not pathogenic based on frequency >1% in an outbred sampleset. Frequency 0.04617 (European), derived from 1000 genomes (2012-04-30).

NM_007294.4(BRCA1):c.5075-1584T>G

Gene: BRCA1 (BRCA1 DNA repair associated; minus strand). Cytogenetic location: 17q21.31.
Variant type: single nucleotide variant.
Coding change: c.5075-1584T>G on transcript NM_007294.4 (MANE Select); 1584 bases into the intron before coding-DNA position 5075, T replaced by G.
Molecular consequence: intron variant.
Genome position (GRCh38, 1-based): chr17:43,065,535, A>C on the plus strand (T>G on the coding strand, the complement: BRCA1 is on the minus strand). VCF-style: chr17-43065535-A-C. GRCh37 (hg19) VCF-style: chr17-41217552-A-C.
Other names: IVS 17-1584T>G; c.5072-1584T>G (NM_001407614.1, NM_001407626.1, NM_001407617.1 and 17 more transcripts); c.5138-1584T>G (NM_001407587.1, NM_001407585.1, NM_007300.4 and 1 more transcripts); c.1526-1584T>G (NM_001408494.1); c.1640-1584T>G (NM_001408444.1, NM_001408438.1, NM_001408432.1 and 10 more transcripts); c.1643-1584T>G (NM_001408430.1, NM_001408427.1, NM_001408431.1 and 4 more transcripts); c.4946-1584T>G (NM_001407682.1, NM_001407689.1, NM_001407681.1 and 6 more transcripts); c.4949-1584T>G (NM_001407676.1, NM_001407679.1, NM_001407670.1 and 10 more transcripts); and 74 more.
Identifiers: ClinVar variation 209334 (VCV000209334.2), dbSNP rs8176243, ClinGen allele CA276306.